The following is an entry in ClinVar:

ClinVar aggregate classification (germline): Likely benign. Review status: criteria provided, multiple submitters, no conflicts (2 of 4 stars). 4 submissions from 4 submitters: Likely benign (3). 1 of the submissions does not count toward it. Last evaluated 2025-12-18.

Conditions:
CACNA1G-related disorder. Also called: CACNA1G-related condition; CACNA1G-related disorders.

Allele frequency attached by ClinVar (database versions not stated): gnomAD exomes 0.00016 and 0.00031; ExAC 0.00044; ESP Exome Variant Server 0.00071; gnomAD 0.00118 and 0.00124; 1000 Genomes Project 30x 0.00125; TOPMed 0.00128; 1000 Genomes Project 0.00160.
gnomAD v4.1: 421 of 1,556,428 alleles (0.027%); highest among the groups gnomAD compares: African/African-American, 0.47%; 9 homozygotes.

Submissions (4):

Labcorp Genetics (formerly Invitae), Labcorp
Classification: Likely benign. Last evaluated: 2025-12-18. Review status: criteria provided, single submitter. Criteria: Invitae Variant Classification Sherloc (09022015). Collection method: clinical testing. Allele origin: germline.

Blueprint Genetics
Classification: Likely benign. Last evaluated: 2024-11-21. Review status: criteria provided, single submitter. Criteria: ACMG Guidelines, 2015. Collection method: clinical testing. Allele origin: germline.

CeGaT Center for Human Genetics Tuebingen
Classification: Likely benign. Last evaluated: 2023-02-01. Review status: criteria provided, single submitter. Criteria: CeGaT Center For Human Genetics Tuebingen Variant Classification Criteria Version 2. Collection method: clinical testing. Allele origin: germline. Affected: yes. Observed: 1 variant allele.
Comment: CACNA1G: BP4, BS1

PreventionGenetics, part of Exact Sciences
Classification: Likely benign for CACNA1G-related condition. Last evaluated: 2019-03-21. Review status: no assertion criteria provided. Collection method: clinical testing. Allele origin: germline. Not counted in ClinVar's aggregate classification.
Comment: This variant is classified as likely benign based on ACMG/AMP sequence variant interpretation guidelines (Richards et al. 2015 PMID: 25741868, with internal and published modifications).

NM_018896.5(CACNA1G):c.1140+8A>G

Gene: CACNA1G (calcium voltage-gated channel subunit alpha1 G; plus strand). Cytogenetic location: 17q21.33.
Variant type: single nucleotide variant.
Coding change: c.1140+8A>G on transcript NM_018896.5 (MANE Select); 8 bases into the intron after coding-DNA position 1140, A replaced by G.
Molecular consequence: intron variant.
Genome position (GRCh38, 1-based): chr17:50,573,121, A>G. VCF-style: chr17-50573121-A-G. GRCh37 (hg19) VCF-style: chr17-48650482-A-G.
Other names: c.1140+8A>G (NM_001256325.2, NM_198377.3, NM_198380.3 and 24 more transcripts).
Identifiers: ClinVar variation 727560 (VCV000727560.33), dbSNP rs61680572, ClinGen allele CA8652100.